The following is an entry in ClinVar:

ClinVar aggregate classification (germline): Uncertain significance. Review status: criteria provided, multiple submitters, no conflicts (2 of 4 stars). 2 submissions from 2 submitters: Uncertain significance (2). Last evaluated 2024-11-02.

Conditions:
Inborn genetic diseases. Identifiers: MedGen C0950123, MeSH D030342.
SCAPER-related disorder. Also called: SCAPER-related condition.

Allele frequency attached by ClinVar (database versions not stated): gnomAD exomes below 0.00001; TOPMed 0.00001.
gnomAD v4.1: 4 of 1,533,680 alleles (0.00026%); highest among the groups gnomAD compares: Non-Finnish European, 0.00035%; no homozygotes.

Submissions (2):

PreventionGenetics, part of Exact Sciences
Classification: Uncertain significance for SCAPER-related condition. Last evaluated: 2024-11-02. Review status: criteria provided, single submitter. Criteria: ACMG Guidelines, 2015. Collection method: clinical testing. Allele origin: germline.
Comment: The SCAPER c.4218A>C variant is predicted to result in the amino acid substitution p.Lys1406Asn. To our knowledge, this variant has not been reported in the literature or in a large population database (gnomAD), indicating this variant is rare. At this time, the clinical significance of this variant is uncertain due to the absence of conclusive functional and genetic evidence.

Ambry Genetics
Classification: Uncertain significance for Inborn genetic diseases. Last evaluated: 2022-07-28. Review status: criteria provided, single submitter. Criteria: Ambry Variant Classification Scheme 2023. Collection method: clinical testing. Allele origin: germline.

NM_020843.4(SCAPER):c.4200A>C (p.Lys1400Asn)

Gene: SCAPER (S-phase cyclin A associated protein in the ER; minus strand). Cytogenetic location: 15q24.3.
Variant type: single nucleotide variant.
Coding change: c.4200A>C on transcript NM_020843.4 (MANE Select); coding-DNA position 4200, A replaced by C.
Protein change: p.Lys1400Asn; replaces lysine 1400 with asparagine.
Molecular consequence: missense variant. On other transcripts: non-coding transcript variant (1).
Genome position (GRCh38, 1-based): chr15:76,348,636, T>G on the plus strand (A>C on the coding strand, the complement: SCAPER is on the minus strand). VCF-style: chr15-76348636-T-G. GRCh37 (hg19) VCF-style: chr15-76640977-T-G.
Other names: c.4218A>C (NM_001353009.1); c.3462A>C, p.Lys1154Asn (NM_001145923.2); c.4218A>C, p.Lys1406Asn (NM_001353009.2); c.3798A>C, p.Lys1266Asn (NM_001353010.2, NM_001353012.2); c.3816A>C, p.Lys1272Asn (NM_001353011.2); short protein forms K1400N, K1154N, K1266N, K1272N, K1406N.
Identifiers: ClinVar variation 2396392 (VCV002396392.3), dbSNP rs918249904, ClinGen allele CA273696586.